The following is an entry in ClinVar:

ClinVar aggregate classification (germline): Conflicting classifications of pathogenicity. Review status: criteria provided, conflicting classifications (1 of 4 stars). 2 submissions from 2 submitters: Uncertain significance (1); Likely benign (1). Last evaluated 2025-02-27.

Conditions:
Familial thoracic aortic aneurysm and aortic dissection (TAAD). Also called: Thoracic aortic aneurysms and dissections. Identifiers: Orphanet 91387, MedGen C4707243, MONDO:0019625.
Aortic aneurysm, familial thoracic 8 (AAT8). Identifiers: MedGen C3809513, MONDO:0014187, OMIM 615436.

gnomAD v4.1: 2 of 1,612,086 alleles (0.00012%); no homozygotes.

Submissions (2):

Ambry Genetics
Classification: Likely benign for Familial thoracic aortic aneurysm and aortic dissection. Last evaluated: 2025-02-27. Review status: criteria provided, single submitter. Criteria: Ambry Variant Classification Scheme 2023. Collection method: clinical testing. Allele origin: germline.

Labcorp Genetics (formerly Invitae), Labcorp
Classification: Uncertain significance for Aortic aneurysm, familial thoracic 8. Last evaluated: 2022-05-21. Review status: criteria provided, single submitter. Criteria: Invitae Variant Classification Sherloc (09022015). Collection method: clinical testing. Allele origin: germline.
Comment: This sequence change affects codon 632 of the PRKG1 mRNA. It is a 'silent' change, meaning that it does not change the encoded amino acid sequence of the PRKG1 protein. It affects a nucleotide within the consensus splice site. This variant is not present in population databases (gnomAD no frequency). This variant has not been reported in the literature in individuals affected with PRKG1-related conditions. Algorithms developed to predict the effect of sequence changes on RNA splicing suggest that this variant is not likely to affect RNA splicing. In summary, the available evidence is currently insufficient to determine the role of this variant in disease. Therefore, it has been classified as a Variant of Uncertain Significance.

NM_006258.4(PRKG1):c.1896A>G (p.Lys632=)

Gene: PRKG1 (protein kinase cGMP-dependent 1; plus strand). Cytogenetic location: 10q21.1.
Variant type: single nucleotide variant.
Coding change: c.1896A>G on transcript NM_006258.4 (MANE Select); coding-DNA position 1896, A replaced by G.
Protein change: p.Lys632=; no amino-acid change (lysine 632 retained).
Molecular consequence: synonymous variant.
Genome position (GRCh38, 1-based): chr10:52,290,224, A>G. VCF-style: chr10-52290224-A-G. GRCh37 (hg19) VCF-style: chr10-54049984-A-G.
Other names: c.1851A>G, p.Lys617= (NM_001098512.3); c.687A>G, p.Lys229= (NM_001374781.1); c.1896A>G (NM_006258.3).
Identifiers: ClinVar variation 2199506 (VCV002199506.2), dbSNP rs985916344, ClinGen allele CA469503931.